The following is an entry in ClinVar:

NM_003072.5(SMARCA4):c.3216-18G>C

Gene: SMARCA4 (SWI/SNF related BAF chromatin remodeling complex subunit ATPase 4; plus strand). Cytogenetic location: 19p13.2.
Variant type: single nucleotide variant.
Coding change: c.3216-18G>C on transcript NM_003072.5 (MANE Select); 18 bases into the intron before coding-DNA position 3216, G replaced by C.
Molecular consequence: intron variant.
Genome position (GRCh38, 1-based): chr19:11,027,766, G>C. VCF-style: chr19-11027766-G-C. GRCh37 (hg19) VCF-style: chr19-11138442-G-C.
Other names: c.3216-18G>C (NM_001128844.3, NM_001128849.3, NM_001128847.4 and 5 more transcripts).
Identifiers: ClinVar variation 1633992 (VCV001633992.9), dbSNP rs773119583, ClinGen allele CA9204375.

ClinVar aggregate classification (germline): Likely benign. Review status: criteria provided, multiple submitters, no conflicts (2 of 4 stars). 2 submissions from 2 submitters: Likely benign (2). Last evaluated 2026-07-07.

Conditions:
Rhabdoid tumor predisposition syndrome 2 (RTPS2). Identifiers: Orphanet 231108, Orphanet 69077, MedGen C2750074, MONDO:0013224, OMIM 613325.

Allele frequency attached by ClinVar (database versions not stated): ExAC 0.00001.

Submissions (2):

Myriad Genetics, Inc.
Classification: Likely benign for Rhabdoid tumor predisposition syndrome 2. Last evaluated: 2026-07-07. Review status: criteria provided, single submitter. Criteria: Myriad Autosomal Dominant, Autosomal Recessive and X-Linked Classification Criteria (2023). Collection method: clinical testing. Allele origin: unknown.
Comment: This variant is considered likely benign. This variant is intronic and is not expected to impact mRNA splicing.

Labcorp Genetics (formerly Invitae), Labcorp
Classification: Likely benign for Rhabdoid tumor predisposition syndrome 2. Last evaluated: 2025-09-12. Review status: criteria provided, single submitter. Criteria: Invitae Variant Classification Sherloc (09022015). Collection method: clinical testing. Allele origin: germline.